The following is an entry in ClinVar:

ClinVar aggregate classification (germline): Uncertain significance (1 of 4 stars; one submission).

Conditions:
Hyperprolinemia type 2 (HYRPRO2). Also called: 1-PYRROLINE-5-CARBOXYLATE DEHYDROGENASE DEFICIENCY; Deficiency of pyrroline-5-carboxylate reductase; Delta-1-pyrroline-5-carboxylate dehydrogenase deficiency. Identifiers: Orphanet 79101, MedGen C2931835, MONDO:0009401, OMIM 239510.

Allele frequency attached by ClinVar (database versions not stated): ExAC 0.00009; gnomAD exomes 0.00010; 1000 Genomes Project 0.00020; 1000 Genomes Project 30x 0.00031; gnomAD 0.00046 and 0.00048; TOPMed 0.00053; ESP Exome Variant Server 0.00054.

Submission:

Labcorp Genetics (formerly Invitae), Labcorp
Classification: Uncertain significance for Hyperprolinemia type 2. Last evaluated: 2022-05-18. Review status: criteria provided, single submitter. Criteria: Invitae Variant Classification Sherloc (09022015). Collection method: clinical testing. Allele origin: germline.
Comment: This sequence change replaces proline, which is neutral and non-polar, with arginine, which is basic and polar, at codon 256 of the ALDH4A1 protein (p.Pro256Arg). This variant is present in population databases (rs143835001, gnomAD 0.1%). This variant has not been reported in the literature in individuals affected with ALDH4A1-related conditions. ClinVar contains an entry for this variant (Variation ID: 1007250). Algorithms developed to predict the effect of missense changes on protein structure and function are either unavailable or do not agree on the potential impact of this missense change (SIFT: "Deleterious"; PolyPhen-2: "Probably Damaging"; Align-GVGD: "Class C0"). In summary, the available evidence is currently insufficient to determine the role of this variant in disease. Therefore, it has been classified as a Variant of Uncertain Significance.

NM_003748.4(ALDH4A1):c.767C>G (p.Pro256Arg)

Gene: ALDH4A1 (aldehyde dehydrogenase 4 family member A1; minus strand). Cytogenetic location: 1p36.13.
Variant type: single nucleotide variant.
Coding change: c.767C>G on transcript NM_003748.4 (MANE Select); coding-DNA position 767, C replaced by G.
Protein change: p.Pro256Arg; replaces proline 256 with arginine.
Molecular consequence: missense variant.
Genome position (GRCh38, 1-based): chr1:18,881,799, G>C on the plus strand (C>G on the coding strand, the complement: ALDH4A1 is on the minus strand). VCF-style: chr1-18881799-G-C. GRCh37 (hg19) VCF-style: chr1-19208293-G-C.
Other names: c.587C>G, p.Pro196Arg (NM_001161504.2); c.767C>G, p.Pro256Arg (NM_001319218.2, NM_170726.3); short protein forms P196R, P256R.
Identifiers: ClinVar variation 1007250 (VCV001007250.6), dbSNP rs143835001, ClinGen allele CA647205.